The following is an entry in ClinVar:

ClinVar aggregate classification (germline): Pathogenic/Likely pathogenic. Review status: criteria provided, multiple submitters, no conflicts (2 of 4 stars). 2 submissions from 2 submitters: Pathogenic (1); Likely pathogenic (1). Last evaluated 2023-08-10.

Conditions:
IMPG1-related disorder. Also called: IMPG1-related condition.

Allele frequency attached by ClinVar (database versions not stated): ExAC 0.00001.

Submissions (2):

Labcorp Genetics (formerly Invitae), Labcorp
Classification: Pathogenic. Last evaluated: 2023-08-10. Review status: criteria provided, single submitter. Criteria: Invitae Variant Classification Sherloc (09022015). Collection method: clinical testing. Allele origin: germline.
Comment: ClinVar contains an entry for this variant (Variation ID: 1933145). For these reasons, this variant has been classified as Pathogenic. This variant has not been reported in the literature in individuals affected with IMPG1-related conditions. This variant is present in population databases (rs768219294, gnomAD 0.009%). This sequence change creates a premature translational stop signal (p.Glu521*) in the IMPG1 gene. It is expected to result in an absent or disrupted protein product. Loss-of-function variants in IMPG1 are known to be pathogenic (PMID: 23993198).

Blueprint Genetics
Classification: Likely pathogenic for IMPG1-related disorders. Last evaluated: 2019-07-12. Review status: criteria provided, single submitter. Criteria: ACMG Guidelines, 2015. Collection method: clinical testing. Allele origin: germline. Affected: yes. Observed: 1 variant allele.

Literature cited by the submitters: PubMed 23993198 (cited by Labcorp Genetics (formerly Invitae), Labcorp).

NM_001563.4(IMPG1):c.1561G>T (p.Glu521Ter)

Gene: IMPG1 (interphotoreceptor matrix proteoglycan 1; minus strand). Cytogenetic location: 6q14.1.
Variant type: single nucleotide variant.
Coding change: c.1561G>T on transcript NM_001563.4 (MANE Select); coding-DNA position 1561, G replaced by T.
Protein change: p.Glu521Ter; replaces glutamic acid 521 with a stop codon.
Molecular consequence: nonsense.
Genome position (GRCh38, 1-based): chr6:75,950,825, C>A on the plus strand (G>T on the coding strand, the complement: IMPG1 is on the minus strand). VCF-style: chr6-75950825-C-A. GRCh37 (hg19) VCF-style: chr6-76660542-C-A.
Other names: c.1327G>T, p.Glu443Ter (NM_001282368.2); short protein forms E521*, E443*.
Identifiers: ClinVar variation 1933145 (VCV001933145.6), dbSNP rs768219294, ClinGen allele CA3898091.
Genomic context (GRCh38, chr6:75,950,825, plus strand): 5'-AAACATATTCGCTGAGCTCTGGTACCTCAGATGGGGCAGGAGTGTCAGACAGATCCATTT[C>A]ATCTAGGTGTCTGACCATATCTTCGCCACCTGCACTTGATCGGCTGTCATCTGAAGATGC-3'